The following is an entry in ClinVar:

ClinVar aggregate classification (germline): Likely benign (0 of 4 stars; one submission).

Conditions:
ITGA8-related disorder. Also called: ITGA8-related condition.

Allele frequency attached by ClinVar (database versions not stated): gnomAD 0.00001; TOPMed 0.00001; gnomAD exomes 0.00004.

Submission:

PreventionGenetics, part of Exact Sciences
Classification: Likely benign for ITGA8-related condition. Last evaluated: 2021-02-01. Review status: no assertion criteria provided. Collection method: clinical testing. Allele origin: germline.
Comment: This variant is classified as likely benign based on ACMG/AMP sequence variant interpretation guidelines (Richards et al. 2015 PMID: 25741868, with internal and published modifications).

NM_003638.3(ITGA8):c.1611C>G (p.Val537=)

Gene: ITGA8 (integrin subunit alpha 8; minus strand). Cytogenetic location: 10p13.
Variant type: single nucleotide variant.
Coding change: c.1611C>G on transcript NM_003638.3 (MANE Select); coding-DNA position 1611, C replaced by G.
Protein change: p.Val537=; no amino-acid change (valine 537 retained).
Molecular consequence: synonymous variant.
Genome position (GRCh38, 1-based): chr10:15,607,830, G>C on the plus strand (C>G on the coding strand, the complement: ITGA8 is on the minus strand). VCF-style: chr10-15607830-G-C. GRCh37 (hg19) VCF-style: chr10-15649829-G-C.
Other names: c.1566C>G, p.Val522= (NM_001291494.2).
Identifiers: ClinVar variation 3030866 (VCV003030866.2), dbSNP rs763462689, ClinGen allele CA203493018.